The following is an entry in ClinVar:

NM_005090.4(JMJD7-PLA2G4B):c.2073C>T (p.Tyr691=)

Genes: JMJD7-PLA2G4B (JMJD7-PLA2G4B readthrough; plus strand), PLA2G4B (phospholipase A2 group IVB; plus strand). Cytogenetic location: 15q15.1.
Variant type: single nucleotide variant.
Coding change: c.2073C>T on transcript NM_005090.4; coding-DNA position 2073, C replaced by T.
Protein change: p.Tyr691=; no amino-acid change (tyrosine 691 retained).
Molecular consequence: synonymous variant.
Genome position (GRCh38, 1-based): chr15:41,845,660, C>T. VCF-style: chr15-41845660-C-T. GRCh37 (hg19) VCF-style: chr15-42137858-C-T.
Other names: c.1380C>T, p.Tyr460= (NM_001114633.2); c.2073C>T, p.Tyr691= (NM_001198588.2).
Identifiers: ClinVar variation 3042553 (VCV003042553.2), dbSNP rs748035686, ClinGen allele CA7500054.
Genomic context (GRCh38, chr15:41,845,660, plus strand): 5'-GCTCTGCACCATGAGGCTGAGGCGTGGACTCCTCACAGAGTGGTGCGAGTTCTCTCCCTA[C>T]GAGGTCGGCTTCCCCAAGTACGGGGCCTTCATCCCCTCTGAGCTCTTTGGCTCCGAGTTC-3'

ClinVar aggregate classification (germline): Likely benign (0 of 4 stars; one submission).

Conditions:
JMJD7-PLA2G4B-related disorder. Also called: JMJD7-PLA2G4B-related condition.

Allele frequency attached by ClinVar (database versions not stated): gnomAD 0.00002.
gnomAD v4.1: 18 of 1,614,004 alleles (0.0011%); highest among the groups gnomAD compares: Admixed American, 0.005%; no homozygotes.

Submission:

PreventionGenetics, part of Exact Sciences
Classification: Likely benign for JMJD7-PLA2G4B-related condition. Last evaluated: 2019-07-01. Review status: no assertion criteria provided. Collection method: clinical testing. Allele origin: germline.
Comment: This variant is classified as likely benign based on ACMG/AMP sequence variant interpretation guidelines (Richards et al. 2015 PMID: 25741868, with internal and published modifications).